The following is an entry in ClinVar:

ClinVar aggregate classification (germline): Uncertain significance (1 of 4 stars; one submission).

Allele frequency attached by ClinVar (database versions not stated): gnomAD exomes below 0.00001.
gnomAD v4.1: 1 of 1,610,980 alleles (0.000062%); highest among the groups gnomAD compares: Non-Finnish European, 0.000085%; no homozygotes.

Submission:

Labcorp Genetics (formerly Invitae), Labcorp
Classification: Uncertain significance. Last evaluated: 2022-07-11. Review status: criteria provided, single submitter. Criteria: Invitae Variant Classification Sherloc (09022015). Collection method: clinical testing. Allele origin: germline.
Comment: In summary, the available evidence is currently insufficient to determine the role of this variant in disease. Therefore, it has been classified as a Variant of Uncertain Significance. ClinVar contains an entry for this variant (Variation ID: 1522214). This sequence change replaces glycine, which is neutral and non-polar, with tryptophan, which is neutral and slightly polar, at codon 321 of the SPPL2A protein (p.Gly321Trp). This variant is not present in population databases (gnomAD no frequency). This variant has not been reported in the literature in individuals affected with SPPL2A-related conditions. Algorithms developed to predict the effect of missense changes on protein structure and function (SIFT, PolyPhen-2, Align-GVGD) all suggest that this variant is likely to be disruptive.

NM_032802.4(SPPL2A):c.961G>T (p.Gly321Trp)

Gene: SPPL2A (signal peptide peptidase like 2A; minus strand). Cytogenetic location: 15q21.2.
Variant type: single nucleotide variant.
Coding change: c.961G>T on transcript NM_032802.4 (MANE Select); coding-DNA position 961, G replaced by T.
Protein change: p.Gly321Trp; replaces glycine 321 with tryptophan.
Molecular consequence: missense variant.
Genome position (GRCh38, 1-based): chr15:50,732,656, C>A on the plus strand (G>T on the coding strand, the complement: SPPL2A is on the minus strand). VCF-style: chr15-50732656-C-A. GRCh37 (hg19) VCF-style: chr15-51024853-C-A.
Other names: short protein forms G321W.
Identifiers: ClinVar variation 1522214 (VCV001522214.8), dbSNP rs2141036229, ClinGen allele CA392411444.
Genomic context (GRCh38, chr15:50,732,656, plus strand): 5'-ACATTACCTTGAAGTTGGGCAACTTCAGTGTTTTAATTAAATTCAGACAGAAAGCAATCC[C>A]CAAGATATCCTGTAAAATCCAAGCCCACCTAAAATCAAAAAATATTACTCTATTGCTTTA-3'
Protein context (NP_116191.2, residues 311-331): RWAWILQDIL[Gly321Trp]IAFCLNLIKT